The following is an entry in ClinVar:

NM_001387430.1(SH2B1):c.186T>A (p.Ala62=)

Gene: SH2B1 (SH2B adaptor protein 1; plus strand). Cytogenetic location: 16p11.2.
Variant type: single nucleotide variant.
Coding change: c.186T>A on transcript NM_001387430.1 (MANE Select); coding-DNA position 186, T replaced by A.
Protein change: p.Ala62=; no amino-acid change (alanine 62 retained).
Molecular consequence: synonymous variant. On other transcripts: intron variant (1).
Genome position (GRCh38, 1-based): chr16:28,866,280, T>A. VCF-style: chr16-28866280-T-A. GRCh37 (hg19) VCF-style: chr16-28877601-T-A.
Other names: c.186T>A, p.Ala62= (NM_001145795.2, NM_001145796.2, NM_001145797.2 and 4 more transcripts); c.-26-1094T>A (NM_001308294.2).
Identifiers: ClinVar variation 3356137 (VCV003356137.1).

ClinVar aggregate classification (germline): Likely benign (0 of 4 stars; one submission).

Conditions:
SH2B1-related disorder. Also called: SH2B1-related condition.

gnomAD v4.1: 5 of 1,610,218 alleles (0.00031%); highest among the groups gnomAD compares: Non-Finnish European, 0.00042%; no homozygotes.

Submission:

PreventionGenetics, part of Exact Sciences
Classification: Likely benign for SH2B1-related condition. Last evaluated: 2023-11-28. Review status: no assertion criteria provided. Collection method: clinical testing. Allele origin: germline.
Comment: This variant is classified as likely benign based on ACMG/AMP sequence variant interpretation guidelines (Richards et al. 2015 PMID: 25741868, with internal and published modifications).